The following is an entry in ClinVar:

NM_000063.6(C2):c.616C>G (p.Gln206Glu)

Gene: C2 (complement C2; plus strand). Cytogenetic location: 6p21.33.
Variant type: single nucleotide variant.
Coding change: c.616C>G on transcript NM_000063.6 (MANE Select); coding-DNA position 616, C replaced by G.
Protein change: p.Gln206Glu; replaces glutamine 206 with glutamic acid.
Molecular consequence: missense variant. On other transcripts: synonymous variant (1).
Genome position (GRCh38, 1-based): chr6:31,933,783, C>G. VCF-style: chr6-31933783-C-G. GRCh37 (hg19) VCF-style: chr6-31901560-C-G.
Other names: c.220C>G, p.Gln74Glu (NM_001145903.3); c.247C>G, p.Gln83Glu (NM_001178063.3); c.111C>G, p.Ala37= (NM_001282457.2); c.529C>G, p.Gln177Glu (NM_001282458.2); c.616C>G, p.Gln206Glu (NM_001282459.2); short protein forms Q83E, Q206E, Q177E, Q74E.
Identifiers: ClinVar variation 1385710 (VCV001385710.8), dbSNP rs759980745, ClinGen allele CA3727443.

ClinVar aggregate classification (germline): Uncertain significance (1 of 4 stars; one submission).

Allele frequency attached by ClinVar (database versions not stated): ExAC 0.00001.

Submission:

Labcorp Genetics (formerly Invitae), Labcorp
Classification: Uncertain significance. Last evaluated: 2025-12-08. Review status: criteria provided, single submitter. Criteria: Invitae Variant Classification Sherloc (09022015). Collection method: clinical testing. Allele origin: germline.
Comment: This sequence change replaces glutamine, which is neutral and polar, with glutamic acid, which is acidic and polar, at codon 206 of the C2 protein (p.Gln206Glu). This variant is present in population databases (rs759980745, gnomAD 0.003%). This variant has not been reported in the literature in individuals affected with C2-related conditions. ClinVar contains an entry for this variant (Variation ID: 1385710). An algorithm developed to predict the effect of missense changes on protein structure and function (PolyPhen-2) suggests that this variant is likely to be tolerated. In summary, the available evidence is currently insufficient to determine the role of this variant in disease. Therefore, it has been classified as a Variant of Uncertain Significance.